The following is an entry in ClinVar:

NM_000426.4(LAMA2):c.4649C>A (p.Pro1550His)

Gene: LAMA2 (laminin subunit alpha 2; plus strand). Cytogenetic location: 6q22.33.
Variant type: single nucleotide variant.
Coding change: c.4649C>A on transcript NM_000426.4 (MANE Select); coding-DNA position 4649, C replaced by A.
Protein change: p.Pro1550His; replaces proline 1550 with histidine.
Molecular consequence: missense variant.
Genome position (GRCh38, 1-based): chr6:129,353,289, C>A. VCF-style: chr6-129353289-C-A. GRCh37 (hg19) VCF-style: chr6-129674434-C-A.
Other names: c.4649C>A, p.Pro1550His (NM_001079823.2); short protein forms P1550H.
Identifiers: ClinVar variation 845210 (VCV000845210.10), dbSNP rs1554278657, ClinGen allele CA365618689.
Genomic context (GRCh38, chr6:129,353,289, plus strand): 5'-ATCCCTATGGCTCACTGCCTGTGCCCTGTGACCCTGTCACAGGATTCTGCACGTGCCGAC[C>A]TGGAGCCACGGGAAGGAAGTGTGACGGCTGCAAGCACTGGCATGCACGCGAGGGCTGGGA-3'
Protein context (NP_000417.3, residues 1540-1560): DPVTGFCTCR[Pro1550His]GATGRKCDGC

ClinVar aggregate classification (germline): Uncertain significance (1 of 4 stars; one submission).

Conditions:
LAMA2-related muscular dystrophy (LAMA2-RD). Also called: Laminin alpha 2-related dystrophy. Identifiers: MedGen C5679788, MONDO:0100228.

gnomAD v4.1: 1 of 1,614,130 alleles (0.000062%); highest among the groups gnomAD compares: East Asian, 0.0022%; no homozygotes.

Submission:

Labcorp Genetics (formerly Invitae), Labcorp
Classification: Uncertain significance for LAMA2-related muscular dystrophy. Last evaluated: 2019-03-19. Review status: criteria provided, single submitter. Criteria: Invitae Variant Classification Sherloc (09022015). Collection method: clinical testing. Allele origin: germline.
Comment: In summary, the available evidence is currently insufficient to determine the role of this variant in disease. Therefore, it has been classified as a Variant of Uncertain Significance. Algorithms developed to predict the effect of missense changes on protein structure and function are either unavailable or do not agree on the potential impact of this missense change (SIFT: "Tolerated"; PolyPhen-2: "Probably Damaging"; Align-GVGD: "Class C0"). This variant has not been reported in the literature in individuals with LAMA2-related conditions. This variant is not present in population databases (ExAC no frequency). This sequence change replaces proline with histidine at codon 1550 of the LAMA2 protein (p.Pro1550His). The proline residue is moderately conserved and there is a moderate physicochemical difference between proline and histidine.